The following is an entry in ClinVar:

NM_000843.4(GRM6):c.326C>G (p.Ala109Gly)

Gene: GRM6 (glutamate metabotropic receptor 6; minus strand). Cytogenetic location: 5q35.3.
Variant type: single nucleotide variant.
Coding change: c.326C>G on transcript NM_000843.4 (MANE Select); coding-DNA position 326, C replaced by G.
Protein change: p.Ala109Gly; replaces alanine 109 with glycine.
Molecular consequence: missense variant.
Genome position (GRCh38, 1-based): chr5:178,994,619, G>C on the plus strand (C>G on the coding strand, the complement: GRM6 is on the minus strand). VCF-style: chr5-178994619-G-C. GRCh37 (hg19) VCF-style: chr5-178421620-G-C.
Other names: short protein forms A109G.
Identifiers: ClinVar variation 948236 (VCV000948236.7), dbSNP rs1760739758, ClinGen allele CA362436609.

ClinVar aggregate classification (germline): Uncertain significance (1 of 4 stars; one submission).

Allele frequency attached by ClinVar (database versions not stated): gnomAD 0.00001.

Submission:

Labcorp Genetics (formerly Invitae), Labcorp
Classification: Uncertain significance. Last evaluated: 2022-06-09. Review status: criteria provided, single submitter. Criteria: Invitae Variant Classification Sherloc (09022015). Collection method: clinical testing. Allele origin: germline.
Comment: This sequence change replaces alanine, which is neutral and non-polar, with glycine, which is neutral and non-polar, at codon 109 of the GRM6 protein (p.Ala109Gly). This variant is not present in population databases (gnomAD no frequency). This variant has not been reported in the literature in individuals affected with GRM6-related conditions. ClinVar contains an entry for this variant (Variation ID: 948236). Algorithms developed to predict the effect of missense changes on protein structure and function (SIFT, PolyPhen-2, Align-GVGD) all suggest that this variant is likely to be tolerated. In summary, the available evidence is currently insufficient to determine the role of this variant in disease. Therefore, it has been classified as a Variant of Uncertain Significance.